The following is an entry in ClinVar:

NM_032043.3(BRIP1):c.2493-15C>T

Gene: BRIP1 (BRCA1 interacting DNA helicase 1; minus strand). Cytogenetic location: 17q23.2.
Variant type: single nucleotide variant.
Coding change: c.2493-15C>T on transcript NM_032043.3 (MANE Select); 15 bases into the intron before coding-DNA position 2493, C replaced by T.
Molecular consequence: intron variant.
Genome position (GRCh38, 1-based): chr17:61,693,527, G>A on the plus strand (C>T on the coding strand, the complement: BRIP1 is on the minus strand). VCF-style: chr17-61693527-G-A. GRCh37 (hg19) VCF-style: chr17-59770888-G-A.
Identifiers: ClinVar variation 491444 (VCV000491444.9), dbSNP rs1009398860, ClinGen allele CA292270159.

ClinVar aggregate classification (germline): Likely benign. Review status: criteria provided, multiple submitters, no conflicts (2 of 4 stars). 3 submissions from 3 submitters: Likely benign (3). Last evaluated 2026-01-22.

Conditions:
Hereditary cancer-predisposing syndrome. Also called: Tumor predisposition; Neoplastic Syndromes, Hereditary; Hereditary Cancer Syndrome; Hereditary neoplastic syndrome. Identifiers: Orphanet 140162, MedGen C0027672, MeSH D009386, MONDO:0015356.
Fanconi anemia complementation group J. Also called: BRIP1-Related Fanconi Anemia. Identifiers: Orphanet 84, MedGen C1836860, MONDO:0012187, OMIM 609054.
Familial cancer of breast. Also called: BREAST CANCER, FAMILIAL; hereditary breast carcinoma; Hereditary breast cancer. Identifiers: Orphanet 227535, MedGen C0346153, MONDO:0016419, OMIM 114480. Disease mechanism: loss of function.

Submissions (3):

Labcorp Genetics (formerly Invitae), Labcorp
Classification: Likely benign for Familial cancer of breast; Fanconi anemia complementation group J. Last evaluated: 2026-01-22. Review status: criteria provided, single submitter. Criteria: Invitae Variant Classification Sherloc (09022015). Collection method: clinical testing. Allele origin: germline.

Myriad Genetics, Inc.
Classification: Likely benign for Familial cancer of breast. Last evaluated: 2024-09-05. Review status: criteria provided, single submitter. Criteria: Myriad Autosomal Dominant, Autosomal Recessive and X-Linked Classification Criteria (2023). Collection method: clinical testing. Allele origin: unknown.
Comment: This variant is considered likely benign. This variant is intronic and is not expected to impact mRNA splicing.

Color Diagnostics, LLC DBA Color Health
Classification: Likely benign for Hereditary cancer-predisposing syndrome. Last evaluated: 2017-03-23. Review status: criteria provided, single submitter. Criteria: ACMG Guidelines, 2015. Collection method: clinical testing. Allele origin: germline.